The following is an entry in ClinVar:

NM_002637.4(PHKA1):c.1151A>G (p.Tyr384Cys)

Gene: PHKA1 (phosphorylase kinase regulatory subunit alpha 1; minus strand). Cytogenetic location: Xq13.1.
Variant type: single nucleotide variant.
Coding change: c.1151A>G on transcript NM_002637.4 (MANE Select); coding-DNA position 1151, A replaced by G.
Protein change: p.Tyr384Cys; replaces tyrosine 384 with cysteine.
Molecular consequence: missense variant.
Genome position (GRCh38, 1-based): chrX:72,652,638, T>C on the plus strand (A>G on the coding strand, the complement: PHKA1 is on the minus strand). VCF-style: chrX-72652638-T-C. GRCh37 (hg19) VCF-style: chrX-71872488-T-C.
Other names: c.1151A>G, p.Tyr384Cys (NM_001122670.2, NM_001172436.2); short protein forms Y384C.
Identifiers: ClinVar variation 870720 (VCV000870720.45), dbSNP rs782509826, ClinGen allele CA10450917.

ClinVar aggregate classification (germline): Uncertain significance. Review status: criteria provided, multiple submitters, no conflicts (2 of 4 stars). 2 submissions from 2 submitters: Uncertain significance (2). Last evaluated 2022-09-01.

Conditions:
Glycogen storage disease IXd (GSD9D). Also called: Muscle Phosphorylase Kinase Deficiency; GSD IXd. Identifiers: Orphanet 715, MedGen C1845151, MONDO:0010362, OMIM 300559.

Allele frequency attached by ClinVar (database versions not stated): gnomAD exomes 0.00001 and 0.00004; TOPMed 0.00003; ExAC 0.00005; gnomAD 0.00007 and 0.00008; 1000 Genomes Project 0.00053; 1000 Genomes Project 30x 0.00083.
gnomAD v4.1: 20 of 1,151,396 alleles (0.0017%); highest among the groups gnomAD compares: African/African-American, 0.027%; no homozygotes.

Submissions (2):

Labcorp Genetics (formerly Invitae), Labcorp
Classification: Uncertain significance for Glycogen storage disease IXd. Last evaluated: 2022-09-01. Review status: criteria provided, single submitter. Criteria: Invitae Variant Classification Sherloc (09022015). Collection method: clinical testing. Allele origin: germline.
Comment: In summary, the available evidence is currently insufficient to determine the role of this variant in disease. Therefore, it has been classified as a Variant of Uncertain Significance. Algorithms developed to predict the effect of missense changes on protein structure and function are either unavailable or do not agree on the potential impact of this missense change (SIFT: "Deleterious"; PolyPhen-2: "Benign"; Align-GVGD: "Class C0"). ClinVar contains an entry for this variant (Variation ID: 870720). This variant has not been reported in the literature in individuals affected with PHKA1-related conditions. This variant is present in population databases (rs782509826, gnomAD 0.03%). This sequence change replaces tyrosine, which is neutral and polar, with cysteine, which is neutral and slightly polar, at codon 384 of the PHKA1 protein (p.Tyr384Cys).

CeGaT Center for Human Genetics Tuebingen
Classification: Uncertain significance. Last evaluated: 2020-01-01. Review status: criteria provided, single submitter. Criteria: CeGaT Center For Human Genetics Tuebingen Variant Classification Criteria Version 2. Collection method: clinical testing. Allele origin: germline. Affected: yes. Observed: 1 variant allele.